The following is an entry in ClinVar:

ClinVar aggregate classification (germline): Uncertain significance. Review status: criteria provided, multiple submitters, no conflicts (2 of 4 stars). 3 submissions from 3 submitters: Uncertain significance (3). Last evaluated 2025-08-07.

Conditions:
Juvenile onset Parkinson disease 19A. Also called: DNAJC6 Parkinson Disease; PARK19. Identifiers: Orphanet 391411, MedGen C3809811, MONDO:0014231, OMIM 615528.
Inborn genetic diseases. Identifiers: MedGen C0950123, MeSH D030342.

Allele frequency attached by ClinVar (database versions not stated): TOPMed 0.00003; gnomAD exomes 0.00004 and 0.00005; gnomAD 0.00007 and 0.00009; ExAC 0.00008.
gnomAD v4.1: 75 of 1,600,318 alleles (0.0047%); highest among the groups gnomAD compares: Non-Finnish European, 0.0062%; no homozygotes.

Submissions (3):

Ambry Genetics
Classification: Uncertain significance for Inborn genetic diseases. Last evaluated: 2025-08-07. Review status: criteria provided, single submitter. Criteria: Ambry Variant Classification Scheme 2023. Collection method: clinical testing. Allele origin: germline.

Labcorp Genetics (formerly Invitae), Labcorp
Classification: Uncertain significance for Juvenile onset Parkinson disease 19A. Last evaluated: 2024-11-10. Review status: criteria provided, single submitter. Criteria: Invitae Variant Classification Sherloc (09022015). Collection method: clinical testing. Allele origin: germline.
Comment: This sequence change replaces methionine, which is neutral and non-polar, with threonine, which is neutral and polar, at codon 331 of the DNAJC6 protein (p.Met331Thr). This variant is present in population databases (rs760136045, gnomAD 0.02%). This variant has not been reported in the literature in individuals affected with DNAJC6-related conditions. ClinVar contains an entry for this variant (Variation ID: 1416337). An algorithm developed to predict the effect of missense changes on protein structure and function (PolyPhen-2) suggests that this variant is likely to be disruptive. In summary, the available evidence is currently insufficient to determine the role of this variant in disease. Therefore, it has been classified as a Variant of Uncertain Significance.

Blueprint Genetics
Classification: Uncertain significance. Last evaluated: 2024-05-27. Review status: criteria provided, single submitter. Criteria: ACMG Guidelines, 2015. Collection method: clinical testing. Allele origin: germline.

NM_001256864.2(DNAJC6):c.992T>C (p.Met331Thr)

Gene: DNAJC6 (DnaJ heat shock protein family (Hsp40) member C6; plus strand). Cytogenetic location: 1p31.3.
Variant type: single nucleotide variant.
Coding change: c.992T>C on transcript NM_001256864.2 (MANE Select); coding-DNA position 992, T replaced by C.
Protein change: p.Met331Thr; replaces methionine 331 with threonine.
Molecular consequence: missense variant.
Genome position (GRCh38, 1-based): chr1:65,385,903, T>C. VCF-style: chr1-65385903-T-C. GRCh37 (hg19) VCF-style: chr1-65851586-T-C.
Other names: c.782T>C, p.Met261Thr (NM_001256865.2); c.821T>C, p.Met274Thr (NM_014787.4); c.821T>C (NM_014787.2); short protein forms M274T, M331T, M261T.
Identifiers: ClinVar variation 1416337 (VCV001416337.9), dbSNP rs760136045, ClinGen allele CA893795.
Genomic context (GRCh38, chr1:65,385,903, plus strand): 5'-ACTGTGATGTACTCATTGGAGAAACCAAAATATATTCGACTTGCACAGATTTTGAACGAA[T>C]GAAGTAAGTCATGATACTTTACTTCTTCCTATGTACTTCTCAATTCTCATGTAAATGAGC-3'
Protein context (NP_001243793.1, residues 321-341): IYSTCTDFER[Met331Thr]KEYRVQDGKI